The following is an entry in ClinVar:

ClinVar aggregate classification (germline): Uncertain significance. Review status: criteria provided, multiple submitters, no conflicts (2 of 4 stars). 2 submissions from 2 submitters: Uncertain significance (2). Last evaluated 2023-03-25.

Conditions:
Autosomal dominant nocturnal frontal lobe epilepsy 5. Also called: Epilepsy, nocturnal frontal lobe, 5; KCNT1-Related Epilepsy; CILIARY DYSKINESIA, PRIMARY, 28, WITHOUT SITUS INVERSUS; CILIARY DYSKINESIA, PRIMARY, 28, WITH SITUS INVERSUS. Identifiers: Orphanet 98784, MedGen C3554306, MONDO:0014002, OMIM 615005.
Developmental and epileptic encephalopathy, 14 (DEE14). Also called: Early infantile epileptic encephalopathy 14. Identifiers: Orphanet 293181, MedGen C3554195, MONDO:0013989, OMIM 614959.

Submissions (2):

Labcorp Genetics (formerly Invitae), Labcorp
Classification: Uncertain significance for Autosomal dominant nocturnal frontal lobe epilepsy 5; Developmental and epileptic encephalopathy, 14. Last evaluated: 2023-03-25. Review status: criteria provided, single submitter. Criteria: Invitae Variant Classification Sherloc (09022015). Collection method: clinical testing. Allele origin: germline.
Comment: This variant is not present in population databases (gnomAD no frequency). This variant has not been reported in the literature in individuals affected with KCNT1-related conditions. ClinVar contains an entry for this variant (Variation ID: 2433044). Advanced modeling of protein sequence and biophysical properties (such as structural, functional, and spatial information, amino acid conservation, physicochemical variation, residue mobility, and thermodynamic stability) performed at Invitae indicates that this missense variant is not expected to disrupt KCNT1 protein function. In summary, the available evidence is currently insufficient to determine the role of this variant in disease. Therefore, it has been classified as a Variant of Uncertain Significance. This sequence change replaces arginine, which is basic and polar, with glycine, which is neutral and non-polar, at codon 1230 of the KCNT1 protein (p.Arg1230Gly).

Revvity Omics, Revvity
Classification: Uncertain significance. Last evaluated: 2022-09-28. Review status: criteria provided, single submitter. Criteria: ACMG Guidelines, 2015. Collection method: clinical testing. Allele origin: germline.

NM_020822.3(KCNT1):c.3688C>G (p.Arg1230Gly)

Gene: KCNT1 (potassium sodium-activated channel subfamily T member 1; plus strand). Cytogenetic location: 9q34.3.
Variant type: single nucleotide variant.
Coding change: c.3688C>G on transcript NM_020822.3 (MANE Select); coding-DNA position 3688, C replaced by G.
Protein change: p.Arg1230Gly; replaces arginine 1230 with glycine.
Molecular consequence: missense variant.
Genome position (GRCh38, 1-based): chr9:135,792,141, C>G. VCF-style: chr9-135792141-C-G. GRCh37 (hg19) VCF-style: chr9-138683987-C-G.
Other names: c.3616C>G, p.Arg1206Gly (NM_001272003.2); short protein forms R1206G, R1230G.
Identifiers: ClinVar variation 2433044 (VCV002433044.6), dbSNP rs771068120, ClinGen allele CA375494527.
Genomic context (GRCh38, chr9:135,792,141, plus strand): 5'-AGCTCCCAGAGCCGGAAGAGCAGCTGCAGCCACAAGCTGTCGTCCTGCAACCCCGAGACT[C>G]GCGACGAGACACAGCTCTGAGCCAGCCCTGCACGGAGCTCAGGCCACCAAGCCCGGGGTC-3'
Protein context (NP_065873.2, residues 1220-1235): HKLSSCNPET[Arg1230Gly]DETQL